The following is an entry in ClinVar:

NM_015192.4(PLCB1):c.1274C>T (p.Ala425Val)

Gene: PLCB1 (phospholipase C beta 1; plus strand). Cytogenetic location: 20p12.3.
Variant type: single nucleotide variant.
Coding change: c.1274C>T on transcript NM_015192.4 (MANE Select); coding-DNA position 1274, C replaced by T.
Protein change: p.Ala425Val; replaces alanine 425 with valine.
Molecular consequence: missense variant.
Genome position (GRCh38, 1-based): chr20:8,716,287, C>T. VCF-style: chr20-8716287-C-T. GRCh37 (hg19) VCF-style: chr20-8696934-C-T.
Other names: c.1274C>T, p.Ala425Val (NM_182734.3); short protein forms A425V.
Identifiers: ClinVar variation 1024411 (VCV001024411.6), dbSNP rs1171674168, ClinGen allele CA408200046.

ClinVar aggregate classification (germline): Uncertain significance (1 of 4 stars; one submission).

Conditions:
Developmental and epileptic encephalopathy, 12 (DEE12). Identifiers: MedGen C3150988, MONDO:0013389, OMIM 613722.

Allele frequency attached by ClinVar (database versions not stated): gnomAD exomes below 0.00001.
gnomAD v4.1: 3 of 1,613,886 alleles (0.00019%); highest among the groups gnomAD compares: East Asian, 0.0022%; no homozygotes.

Submission:

Labcorp Genetics (formerly Invitae), Labcorp
Classification: Uncertain significance for Developmental and epileptic encephalopathy, 12. Last evaluated: 2022-02-03. Review status: criteria provided, single submitter. Criteria: Invitae Variant Classification Sherloc (09022015). Collection method: clinical testing. Allele origin: germline.
Comment: This sequence change replaces alanine, which is neutral and non-polar, with valine, which is neutral and non-polar, at codon 425 of the PLCB1 protein (p.Ala425Val). The frequency data for this variant in the population databases is considered unreliable, as metrics indicate poor data quality at this position in the gnomAD database. This variant has not been reported in the literature in individuals affected with PLCB1-related conditions. ClinVar contains an entry for this variant (Variation ID: 1024411). Algorithms developed to predict the effect of missense changes on protein structure and function (SIFT, PolyPhen-2, Align-GVGD) all suggest that this variant is likely to be disruptive. In summary, the available evidence is currently insufficient to determine the role of this variant in disease. Therefore, it has been classified as a Variant of Uncertain Significance.